The following is an entry in ClinVar:

NM_001374736.1(DST):c.17801G>A (p.Arg5934Gln)

Gene: DST (dystonin; minus strand). Cytogenetic location: 6p12.1.
Variant type: single nucleotide variant.
Coding change: c.17801G>A on transcript NM_001374736.1 (MANE Select); coding-DNA position 17801, G replaced by A.
Protein change: p.Arg5934Gln; replaces arginine 5934 with glutamine.
Molecular consequence: missense variant.
Genome position (GRCh38, 1-based): chr6:56,527,614, C>T on the plus strand (G>A on the coding strand, the complement: DST is on the minus strand). VCF-style: chr6-56527614-C-T. GRCh37 (hg19) VCF-style: chr6-56392412-C-T.
Other names: c.11444G>A, p.Arg3815Gln (NM_001144769.5); c.11030G>A, p.Arg3677Gln (NM_001144770.2); c.17801G>A, p.Arg5934Gln (NM_001374722.1); c.16841G>A, p.Arg5614Gln (NM_001374729.1); c.10583G>A, p.Arg3528Gln (NM_001374730.1); c.17828G>A, p.Arg5943Gln (NM_001374734.1); c.9932G>A, p.Arg3311Gln (NM_015548.5); c.10910G>A, p.Arg3637Gln (NM_183380.4); short protein forms R5614Q, R3528Q, R3311Q, R3637Q, R3677Q, R3815Q, R5934Q, R5943Q.
Identifiers: ClinVar variation 965582 (VCV000965582.8), dbSNP rs537793986, ClinGen allele CA3867361.

ClinVar aggregate classification (germline): Uncertain significance. Review status: criteria provided, multiple submitters, no conflicts (2 of 4 stars). 2 submissions from 2 submitters: Uncertain significance (2). Last evaluated 2023-09-30.

Conditions:
Hereditary sensory and autonomic neuropathy type 6. Also called: Neuropathy, hereditary sensory and autonomic, type VI; HSAN VI. Identifiers: Orphanet 314381, MedGen C3539003, MONDO:0013839, OMIM 614653.
Epidermolysis bullosa simplex 3, localized or generalized intermediate, with BP230 deficiency (EBS3). Also called: Epidermolysis bullosa simplex, autosomal recessive 2; Epidermolysis bullosa simplex due to BP230 deficiency. Identifiers: Orphanet 412181, MedGen C3809470, MONDO:0014180, OMIM 615425.
Inborn genetic diseases. Identifiers: MedGen C0950123, MeSH D030342.

Allele frequency attached by ClinVar (database versions not stated): gnomAD exomes 0.00002 and 0.00006; ExAC 0.00006; gnomAD 0.00013 and 0.00014; TOPMed 0.00020; 1000 Genomes Project 0.00060; 1000 Genomes Project 30x 0.00094.
gnomAD v4.1: 52 of 1,613,784 alleles (0.0032%); highest among the groups gnomAD compares: African/African-American, 0.037%; no homozygotes.

Submissions (2):

Labcorp Genetics (formerly Invitae), Labcorp
Classification: Uncertain significance for Epidermolysis bullosa simplex 3, localized or generalized intermediate, with BP230 deficiency; Hereditary sensory and autonomic neuropathy type 6. Last evaluated: 2023-09-30. Review status: criteria provided, single submitter. Criteria: Invitae Variant Classification Sherloc (09022015). Collection method: clinical testing. Allele origin: germline.
Comment: In summary, the available evidence is currently insufficient to determine the role of this variant in disease. Therefore, it has been classified as a Variant of Uncertain Significance. Algorithms developed to predict the effect of missense changes on protein structure and function output the following: SIFT: "Not Available"; PolyPhen-2: "Not Available"; Align-GVGD: "Not Available". The glutamine amino acid residue is found in multiple mammalian species, which suggests that this missense change does not adversely affect protein function. This variant has not been reported in the literature in individuals affected with DST-related conditions. This variant is present in population databases (rs537793986, gnomAD 0.05%). This sequence change replaces arginine, which is basic and polar, with glutamine, which is neutral and polar, at codon 3311 of the DST protein (p.Arg3311Gln). The DST gene has multiple clinically relevant transcripts. This variant occurs in alternate transcript NM_015548.4, and corresponds to NM_001723.5:c.*87903G>A in the primary transcript.

Ambry Genetics
Classification: Uncertain significance for Inborn genetic diseases. Last evaluated: 2020-07-21. Review status: criteria provided, single submitter. Criteria: Ambry Variant Classification Scheme 2023. Collection method: clinical testing. Allele origin: germline.
Comment: The p.R3815Q variant (also known as c.11444G>A), located in coding exon 62 of the DST gene, results from a G to A substitution at nucleotide position 11444. The arginine at codon 3815 is replaced by glutamine, an amino acid with highly similar properties. This amino acid position is not well conserved in available vertebrate species, and glutamine is the reference amino acid in other vertebrate species. In addition, this alteration is predicted to be tolerated by in silico analysis. Since supporting evidence is limited at this time, the clinical significance of this alteration remains unclear.